The following is an entry in ClinVar:

NM_001369.3(DNAH5):c.7521_7522delinsTCTCTTATACACA (p.Trp2507fs)

Gene: DNAH5 (dynein axonemal heavy chain 5; minus strand). Cytogenetic location: 5p15.2.
Variant type: Indel.
Coding change: c.7521_7522delinsTCTCTTATACACA on transcript NM_001369.3 (MANE Select); coding-DNA positions 7521 to 7522, GC replaced by TCTCTTATACACA.
Protein change: p.Trp2507fs; shifts the reading frame from tryptophan 2507.
Molecular consequence: frameshift variant.
Genome position (GRCh38, 1-based): chr5:13,810,146-13,810,147, GC replaced by TGTGTATAAGAGA on the plus strand (GC replaced by TCTCTTATACACA on the coding strand, the reverse complement: DNAH5 is on the minus strand). VCF-style: chr5-13810146-GC-TGTGTATAAGAGA. GRCh37 (hg19) VCF-style: chr5-13810255-GC-TGTGTATAAGAGA.
Other names: short protein forms W2507fs.
Identifiers: ClinVar variation 5010500 (VCV005010500.1).

ClinVar aggregate classification (germline): Pathogenic (1 of 4 stars; one submission).

Conditions:
Primary ciliary dyskinesia 3. Identifiers: Orphanet 244, MedGen C1837618, MONDO:0012085, OMIM 608644.

Submission:

Myriad Genetics, Inc.
Classification: Pathogenic for Primary ciliary dyskinesia 3. Last evaluated: 2024-05-14. Review status: criteria provided, single submitter. Criteria: Myriad Autosomal Dominant, Autosomal Recessive and X-Linked Classification Criteria (2023). Collection method: clinical testing. Allele origin: unknown.
Comment: NM_001369.2(DNAH5):c.7521_7522del2ins13(W2507Cfs*68) is expected to be pathogenic in the context of primary ciliary dyskinesia, DNAH5-related. This variant is predicted to lead to an abnormal or absent protein product due to the creation of a premature termination codon in DNAH5, a gene where loss-of-function variants are known to be pathogenic. Please note: this variant was assessed in the context of healthy population screening.